The following is an entry in ClinVar:

NM_001165963.4(SCN1A):c.4002+1992T>C

Genes: SCN1A (sodium voltage-gated channel alpha subunit 1; minus strand), LOC102724058 (uncharacterized LOC102724058; plus strand). Cytogenetic location: 2q24.3.
Variant type: single nucleotide variant.
Coding change: c.4002+1992T>C on transcript NM_001165963.4 (MANE Select); 1992 bases into the intron after coding-DNA position 4002, T replaced by C.
Molecular consequence: intron variant.
Genome position (GRCh38, 1-based): chr2:166,007,727, A>G on the plus strand (T>C on the coding strand, the complement: SCN1A is on the minus strand). VCF-style: chr2-166007727-A-G. GRCh37 (hg19) VCF-style: chr2-166864237-A-G.
Other names: c.3969+1992T>C (NM_001353949.2, NM_001353950.2, NM_001353951.2 and 2 more transcripts); c.3918+1992T>C (NM_001353958.2, NM_001353957.2, NM_001165964.3); c.4002+1992T>C (NM_001202435.3, NM_001353948.2); c.3966+1992T>C (NM_001353955.2, NM_001353954.2); c.3915+1992T>C (NM_001353960.2); c.1560+1992T>C (NM_001353961.2).
Identifiers: ClinVar variation 2092938 (VCV002092938.4), dbSNP rs2468475382, ClinGen allele CA2580064290.

ClinVar aggregate classification (germline): Uncertain significance (1 of 4 stars; one submission).

Conditions:
Early-infantile DEE. Also called: Ohtahara syndrome; Early infantile epileptic encephalopathy with suppression bursts; Early infantile epileptic encephalopathy. Identifiers: Orphanet 1934, MedGen C0393706, MONDO:0800491.

Submission:

Labcorp Genetics (formerly Invitae), Labcorp
Classification: Uncertain significance for Early-infantile DEE. Last evaluated: 2024-05-15. Review status: criteria provided, single submitter. Criteria: Invitae Variant Classification Sherloc (09022015). Collection method: clinical testing. Allele origin: germline.
Comment: This sequence change falls in intron 20 of the SCN1A gene. It does not directly change the encoded amino acid sequence of the SCN1A protein. However, this sequence change falls within a region encompassing a cryptic exon in the SCN1A gene, in which variants have been shown to alter splicing (PMID: 30526861, 34107977). This variant is not present in population databases (gnomAD no frequency). This variant has not been reported in the literature in individuals affected with SCN1A-related conditions. ClinVar contains an entry for this variant (Variation ID: 2092938). Algorithms developed to predict the effect of sequence changes on RNA splicing suggest that this variant is not likely to affect RNA splicing. In summary, the available evidence is currently insufficient to determine the role of this variant in disease. Therefore, it has been classified as a Variant of Uncertain Significance.

Literature cited by the submitters: PubMed 30526861; PubMed 34107977.